The following is an entry in ClinVar:

NM_020975.6(RET):c.3295T>C (p.Trp1099Arg)

Gene: RET (ret proto-oncogene; plus strand). Cytogenetic location: 10q11.21.
Variant type: single nucleotide variant.
Coding change: c.3295T>C on transcript NM_020975.6 (MANE Select); coding-DNA position 3295, T replaced by C.
Protein change: p.Trp1099Arg; replaces tryptophan 1099 with arginine.
Molecular consequence: missense variant.
Genome position (GRCh38, 1-based): chr10:43,128,219, T>C. VCF-style: chr10-43128219-T-C. GRCh37 (hg19) VCF-style: chr10-43623667-T-C.
Other names: c.3295T>C, p.Trp1099Arg (NM_000323.2, NM_001406743.1); c.*1465T>C (NM_001355216.2, NM_001406764.1, NM_001406765.1 and 15 more transcripts); c.3235T>C, p.Trp1079Arg (NM_001406759.1, NM_001406760.1); c.3166T>C, p.Trp1056Arg (NM_001406761.1, NM_001406762.1); c.3160T>C, p.Trp1054Arg (NM_001406763.1); c.3007T>C, p.Trp1003Arg (NM_001406766.1, NM_001406767.1); c.2899T>C, p.Trp967Arg (NM_001406769.1); c.2857T>C, p.Trp953Arg (NM_001406771.1); and 7 more; short protein forms W1079R, W704R, W967R, W1054R, W616R, W757R, W596R, W837R.
Identifiers: ClinVar variation 1729880 (VCV001729880.3), dbSNP rs2538662562, ClinGen allele CA376559180.

ClinVar aggregate classification (germline): Uncertain significance. Review status: criteria provided, multiple submitters, no conflicts (2 of 4 stars). 2 submissions from 2 submitters: Uncertain significance (2). Last evaluated 2024-06-11.

Conditions:
Multiple endocrine neoplasia, type 2 (MEN2). Identifiers: Orphanet 653, MedGen C4048306, MONDO:0019003. Disease mechanism: gain of function.
Hereditary cancer-predisposing syndrome. Also called: Neoplastic Syndromes, Hereditary; Tumor predisposition; Hereditary Cancer Syndrome; Hereditary neoplastic syndrome. Identifiers: Orphanet 140162, MedGen C0027672, MeSH D009386, MONDO:0015356.

Submissions (2):

All of Us Research Program, National Institutes of Health
Classification: Uncertain significance for Multiple endocrine neoplasia, type 2. Last evaluated: 2024-06-11. Review status: criteria provided, single submitter. Criteria: ACMG Guidelines, 2015. Collection method: clinical testing. Allele origin: germline. Inheritance: Autosomal dominant inheritance. Observed: 1 variant allele, 1 heterozygote.
Comment: This study involves interpretation of variants in research participants for the purpose of population health screening. Participant phenotype was not available at the time of variant classification. Additional details can be found in publication PMID: 35346344, PMCID: PMC8962531

Ambry Genetics
Classification: Uncertain significance for Hereditary cancer-predisposing syndrome. Last evaluated: 2020-09-10. Review status: criteria provided, single submitter. Criteria: Ambry Variant Classification Scheme 2023. Collection method: clinical testing. Allele origin: germline.
Comment: The p.W1099R variant (also known as c.3295T>C), located in coding exon 20 of the RET gene, results from a T to C substitution at nucleotide position 3295. The tryptophan at codon 1099 is replaced by arginine, an amino acid with dissimilar properties. This amino acid position is highly conserved in available vertebrate species. In addition, this alteration is predicted to be deleterious by in silico analysis. Since supporting evidence is limited at this time, the clinical significance of this alteration remains unclear.